The following is an entry in ClinVar:

ClinVar aggregate classification (germline): Conflicting classifications of pathogenicity. Review status: criteria provided, conflicting classifications (1 of 4 stars). 5 submissions from 5 submitters: Likely pathogenic (2); Uncertain significance (1); Likely benign (2). Last evaluated 2026-09-21.

Conditions:
Familial ovarian cancer. Identifiers: MedGen C5679802, MONDO:0016248.
Familial cancer of breast. Also called: Hereditary breast cancer; BREAST CANCER, FAMILIAL; hereditary breast carcinoma. Identifiers: Orphanet 227535, MedGen C0346153, MONDO:0016419, OMIM 114480. Disease mechanism: loss of function.
Fanconi anemia complementation group J. Also called: BRIP1-Related Fanconi Anemia. Identifiers: Orphanet 84, MedGen C1836860, MONDO:0012187, OMIM 609054.
Hereditary cancer-predisposing syndrome. Also called: Tumor predisposition; Neoplastic Syndromes, Hereditary; Hereditary Cancer Syndrome; Hereditary neoplastic syndrome. Identifiers: Orphanet 140162, MedGen C0027672, MeSH D009386, MONDO:0015356.

Allele frequency attached by ClinVar (database versions not stated): TOPMed 0.00001.
gnomAD v4.1: 2 of 1,613,378 alleles (0.00012%); highest among the groups gnomAD compares: South Asian, 0.0011%; no homozygotes.

Submissions (5):

Myriad Genetics, Inc.
Classification: Likely pathogenic for Familial ovarian cancer. Last evaluated: 2026-09-21. Review status: criteria provided, single submitter. Criteria: Myriad Autosomal Dominant, Autosomal Recessive and X-Linked Classification Criteria (2023). Collection method: clinical testing. Allele origin: unknown.
Comment: This variant is considered likely pathogenic. mRNA analysis has demonstrated abnormal mRNA splicing occurs [Myriad internal data].

Ambry Genetics
Classification: Likely pathogenic for Hereditary cancer-predisposing syndrome. Last evaluated: 2026-09-04. Review status: criteria provided, single submitter. Criteria: Ambry Variant Classification Scheme 2023. Collection method: clinical testing. Allele origin: germline.
Comment: The c.484C>A variant (also known as p.R162R), located in coding exon 4 of the BRIP1 gene, results from a C to A substitution at nucleotide position 484. This nucleotide substitution does not change the amino acid at codon 162. This nucleotide position is highly conserved in available vertebrate species. In silico splice site analysis predicts that this alteration will weaken the native splice donor site. RNA studies have demonstrated that this variant results in abnormal splicing in the set of samples tested (Ambry internal data). This variant is considered to be rare based on population cohorts in the Genome Aggregation Database (gnomAD). Based on the majority of available evidence to date, this variant is likely to be pathogenic.

Labcorp Genetics (formerly Invitae), Labcorp
Classification: Likely benign for Familial cancer of breast; Fanconi anemia complementation group J. Last evaluated: 2024-02-21. Review status: criteria provided, single submitter. Criteria: Invitae Variant Classification Sherloc (09022015). Collection method: clinical testing. Allele origin: germline.

Color Diagnostics, LLC DBA Color Health
Classification: Likely benign for Hereditary cancer-predisposing syndrome. Last evaluated: 2021-08-12. Review status: criteria provided, single submitter. Criteria: ACMG Guidelines, 2015. Collection method: clinical testing. Allele origin: germline.

GeneDx
Classification: Uncertain significance. Last evaluated: 2020-06-04. Review status: criteria provided, single submitter. Criteria: GeneDx Variant Classification Process June 2021. Collection method: clinical testing. Allele origin: germline. Affected: yes.
Comment: Not observed in large population cohorts (Lek 2016); In silico analysis supports that this variant does not alter splicing; Has not been previously published as pathogenic or benign to our knowledge

NM_032043.3(BRIP1):c.484C>A (p.Arg162=)

Gene: BRIP1 (BRCA1 interacting DNA helicase 1; minus strand). Cytogenetic location: 17q23.2.
Variant type: single nucleotide variant.
Coding change: c.484C>A on transcript NM_032043.3 (MANE Select); coding-DNA position 484, C replaced by A.
Protein change: p.Arg162=; no amino-acid change (arginine 162 retained).
Molecular consequence: synonymous variant.
Genome position (GRCh38, 1-based): chr17:61,849,152, G>T on the plus strand (C>A on the coding strand, the complement: BRIP1 is on the minus strand). VCF-style: chr17-61849152-G-T. GRCh37 (hg19) VCF-style: chr17-59926513-G-T.
Identifiers: ClinVar variation 479434 (VCV000479434.26), dbSNP rs747604569, ClinGen allele CA501150872.